The following is an entry in ClinVar:

ClinVar aggregate classification (germline): Likely benign (1 of 4 stars; one submission).

Submission:

CeGaT Center for Human Genetics Tuebingen
Classification: Likely benign. Last evaluated: 2022-08-01. Review status: criteria provided, single submitter. Criteria: CeGaT Center For Human Genetics Tuebingen Variant Classification Criteria Version 2. Collection method: clinical testing. Allele origin: germline. Affected: yes. Observed: 1 variant allele.
Comment: MUSK: PM2:Supporting, BP4, BP7

NM_005592.4(MUSK):c.648G>A (p.Arg216=)

Gene: MUSK (muscle associated receptor tyrosine kinase; plus strand). Cytogenetic location: 9q31.3.
Variant type: single nucleotide variant.
Coding change: c.648G>A on transcript NM_005592.4 (MANE Select); coding-DNA position 648, G replaced by A.
Protein change: p.Arg216=; no amino-acid change (arginine 216 retained).
Molecular consequence: synonymous variant. On other transcripts: 5 prime UTR variant (1).
Genome position (GRCh38, 1-based): chr9:110,734,270, G>A. VCF-style: chr9-110734270-G-A. GRCh37 (hg19) VCF-style: chr9-113496550-G-A.
Other names: c.678G>A, p.Arg226= (NM_001166280.2); c.648G>A, p.Arg216= (NM_001166281.2); c.-589G>A (NM_001369398.1).
Identifiers: ClinVar variation 2659426 (VCV002659426.24), dbSNP rs1300154831, ClinGen allele CA466818420.